The following is an entry in ClinVar:

NM_002473.6(MYH9):c.*1314C>T

Gene: MYH9 (myosin heavy chain 9; minus strand). Cytogenetic location: 22q12.3.
Variant type: single nucleotide variant.
Coding change: c.*1314C>T on transcript NM_002473.6 (MANE Select); 1314 bases downstream of the stop codon, C replaced by T.
Molecular consequence: 3 prime UTR variant.
Genome position (GRCh38, 1-based): chr22:36,281,354, G>A on the plus strand (C>T on the coding strand, the complement: MYH9 is on the minus strand). VCF-style: chr22-36281354-G-A. GRCh37 (hg19) VCF-style: chr22-36677400-G-A.
Identifiers: ClinVar variation 341459 (VCV000341459.6), dbSNP rs2481, ClinGen allele CA10645424.

ClinVar aggregate classification (germline): Benign. Review status: criteria provided, multiple submitters, no conflicts (2 of 4 stars). 3 submissions from 2 submitters: Benign (3). Last evaluated 2018-01-12.

Conditions:
Autosomal dominant nonsyndromic hearing loss 17. Also called: Autosomal dominant nonsyndromic deafness 17; Deafness, autosomal dominant 17. Identifiers: Orphanet 90635, MedGen C1863659, MONDO:0011350, OMIM 603622.
MYH9-related disorder. Identifiers: MedGen C1854520.

Allele frequency attached by ClinVar (database versions not stated): gnomAD 0.15103 and 0.16572; TOPMed 0.15803; gnomAD exomes 0.21760; 1000 Genomes Project 30x 0.28592; 1000 Genomes Project 0.29533.
gnomAD v4.1: 39,506 of 219,204 alleles (18%); highest among the groups gnomAD compares: East Asian, 66%; 5,782 homozygotes.

Submissions (3):

Illumina Laboratory Services, Illumina
Classification: Benign for Autosomal dominant nonsyndromic hearing loss 17. Last evaluated: 2018-01-12. Review status: criteria provided, single submitter. Criteria: ICSL Variant Classification Criteria 13 December 2019. Collection method: clinical testing. Allele origin: germline.
Comment: This variant was observed in the ICSL laboratory as part of a predisposition screen in an ostensibly healthy population. It had not been previously curated by ICSL or reported in the Human Gene Mutation Database (HGMD: prior to June 1st, 2018), and was therefore a candidate for classification through an automated scoring system. Utilizing variant allele frequency, disease prevalence and penetrance estimates, and inheritance mode, an automated score was calculated to assess if this variant is too frequent to cause the disease. Based on the score and internal cut-off values, a variant classified as benign is not then subjected to further curation. The score for this variant resulted in a classification of benign for this disease.

Illumina Laboratory Services, Illumina
Classification: Benign for MYH9-related disorder. Last evaluated: 2018-01-12. Review status: criteria provided, single submitter. Criteria: ICSL Variant Classification Criteria 13 December 2019. Collection method: clinical testing. Allele origin: germline.
Comment: the same text as in the submission from Illumina Laboratory Services, Illumina above.

Breakthrough Genomics
Classification: Benign. Review status: criteria provided, single submitter. Criteria: ACMG Guidelines, 2015. Collection method: not provided. Allele origin: germline. Inheritance: Autosomal dominant inheritance. Affected: yes.